The following is an entry in ClinVar:

ClinVar aggregate classification (germline): Benign/Likely benign. Review status: criteria provided, multiple submitters, no conflicts (2 of 4 stars). 4 submissions from 4 submitters: Benign (1); Likely benign (2). 1 of the submissions does not count toward it. Last evaluated 2024-11-23.

Conditions:
BDP1-related disorder. Also called: BDP1-related condition.

Allele frequency attached by ClinVar (database versions not stated): 1000 Genomes Project 0.00060; 1000 Genomes Project 30x 0.00062; TOPMed 0.00240; gnomAD 0.00248 and 0.00277; gnomAD exomes 0.00267; ExAC 0.00272; ESP Exome Variant Server 0.00323.
gnomAD v4.1: 5,649 of 1,614,134 alleles (0.35%); highest among the groups gnomAD compares: Non-Finnish European, 0.41%; 15 homozygotes.

Submissions (4):

Blueprint Genetics
Classification: Likely benign. Last evaluated: 2024-11-23. Review status: criteria provided, single submitter. Criteria: ACMG Guidelines, 2015. Collection method: clinical testing. Allele origin: germline.

CeGaT Center for Human Genetics Tuebingen
Classification: Likely benign. Last evaluated: 2020-04-01. Review status: criteria provided, single submitter. Criteria: CeGaT Center For Human Genetics Tuebingen Variant Classification Criteria Version 2. Collection method: clinical testing. Allele origin: germline. Affected: yes. Observed: 1 variant allele.

GeneDx
Classification: Benign. Last evaluated: 2018-06-18. Review status: criteria provided, single submitter. Criteria: GeneDx Variant Classification (06012015). Collection method: clinical testing. Allele origin: germline. Affected: yes.
Comment: This variant is considered likely benign or benign based on one or more of the following criteria: it is a conservative change, it occurs at a poorly conserved position in the protein, it is predicted to be benign by multiple in silico algorithms, and/or has population frequency not consistent with disease.

PreventionGenetics, part of Exact Sciences
Classification: Likely benign for BDP1-related condition. Last evaluated: 2023-04-25. Review status: no assertion criteria provided. Collection method: clinical testing. Allele origin: germline. Not counted in ClinVar's aggregate classification.
Comment: This variant is classified as likely benign based on ACMG/AMP sequence variant interpretation guidelines (Richards et al. 2015 PMID: 25741868, with internal and published modifications).

NM_018429.3(BDP1):c.5548C>T (p.Arg1850Trp)

Gene: BDP1 (BDP1 general transcription factor IIIB subunit; plus strand). Cytogenetic location: 5q13.2.
Variant type: single nucleotide variant.
Coding change: c.5548C>T on transcript NM_018429.3 (MANE Select); coding-DNA position 5548, C replaced by T.
Protein change: p.Arg1850Trp; replaces arginine 1850 with tryptophan.
Molecular consequence: missense variant.
Genome position (GRCh38, 1-based): chr5:71,524,099, C>T. VCF-style: chr5-71524099-C-T. GRCh37 (hg19) VCF-style: chr5-70819926-C-T.
Other names: short protein forms R1850W.
Identifiers: ClinVar variation 684186 (VCV000684186.42), dbSNP rs34727932, ClinGen allele CA3296970.